The following is an entry in ClinVar:

NM_001370298.3(FGD4):c.1619T>G (p.Leu540Arg)

Gene: FGD4 (FYVE, RhoGEF and PH domain containing 4; plus strand). Cytogenetic location: 12p11.21.
Variant type: single nucleotide variant.
Coding change: c.1619T>G on transcript NM_001370298.3 (MANE Select); coding-DNA position 1619, T replaced by G.
Protein change: p.Leu540Arg; replaces leucine 540 with arginine.
Molecular consequence: missense variant.
Genome position (GRCh38, 1-based): chr12:32,611,153, T>G. VCF-style: chr12-32611153-T-G. GRCh37 (hg19) VCF-style: chr12-32764087-T-G.
Other names: c.1208T>G, p.Leu403Arg (NM_001385118.1, NM_139241.3, NM_001384127.1 and 1 more transcripts); c.1463T>G, p.Leu488Arg (NM_001304481.2); c.464T>G, p.Leu155Arg (NM_001304483.2); c.176T>G, p.Leu59Arg (NM_001304484.2); c.929T>G, p.Leu310Arg (NM_001330373.2, NM_001330374.2, NM_001384130.1); c.656T>G, p.Leu219Arg (NM_001370297.1); c.1619T>G, p.Leu540Arg (NM_001384126.1); c.1208T>G (NM_139241.2); short protein forms L219R, L310R, L488R, L540R, L59R, L155R, L403R.
Identifiers: ClinVar variation 2808861 (VCV002808861.4), dbSNP rs1949110469, ClinGen allele CA384360972.
Genomic context (GRCh38, chr12:32,611,153, plus strand): 5'-GTTGAAACCTGCCTGTATGTGATCTTGCTGTTTTAATTTCCTAGGAGAACCTAAAGAAAC[T>G]CTTAGAGATTTATGAAATGTTGGGAGAAGAAGAAGACATTGTAAACCCTTCAAATGAACT-3'
Protein context (NP_001357227.2, residues 530-550): AIRKMENLKK[Leu540Arg]LEIYEMLGEE

ClinVar aggregate classification (germline): Uncertain significance. Review status: criteria provided, multiple submitters, no conflicts (2 of 4 stars). 2 submissions from 2 submitters: Uncertain significance (2). Last evaluated 2025-06-23.

Conditions:
Inborn genetic diseases. Identifiers: MedGen C0950123, MeSH D030342.
Charcot-Marie-Tooth disease type 4. Also called: Charcot-Marie-Tooth, Type 4; Charcot-Marie-Tooth disease, type IV. Identifiers: Orphanet 64749, MedGen C4082197, MONDO:0018995.

Allele frequency attached by ClinVar (database versions not stated): TOPMed below 0.00001.

Submissions (2):

Ambry Genetics
Classification: Uncertain significance for Inborn genetic diseases. Last evaluated: 2025-06-23. Review status: criteria provided, single submitter. Criteria: Ambry Variant Classification Scheme 2023. Collection method: clinical testing. Allele origin: germline.

Labcorp Genetics (formerly Invitae), Labcorp
Classification: Uncertain significance for Charcot-Marie-Tooth disease type 4. Last evaluated: 2022-10-27. Review status: criteria provided, single submitter. Criteria: Invitae Variant Classification Sherloc (09022015). Collection method: clinical testing. Allele origin: germline.
Comment: In summary, the available evidence is currently insufficient to determine the role of this variant in disease. Therefore, it has been classified as a Variant of Uncertain Significance. Advanced modeling of protein sequence and biophysical properties (such as structural, functional, and spatial information, amino acid conservation, physicochemical variation, residue mobility, and thermodynamic stability) performed at Invitae indicates that this missense variant is expected to disrupt FGD4 protein function. This variant has not been reported in the literature in individuals affected with FGD4-related conditions. This variant is not present in population databases (gnomAD no frequency). This sequence change replaces leucine, which is neutral and non-polar, with arginine, which is basic and polar, at codon 403 of the FGD4 protein (p.Leu403Arg).